The following is an entry in ClinVar:

ClinVar aggregate classification (germline): Uncertain significance. Review status: criteria provided, multiple submitters, no conflicts (2 of 4 stars). 3 submissions from 3 submitters: Uncertain significance (3). Last evaluated 2025-10-03.

Conditions:
Choanal atresia-athelia-hypothyroidism-delayed puberty-short stature syndrome (BCAHH). Also called: BRANCHIAL ARCH ABNORMALITIES, CHOANAL ATRESIA, ATHELIA, HEARING LOSS, AND HYPOTHYROIDISM SYNDROME. Identifiers: Orphanet 589856, MedGen C5680310, MONDO:0035651, OMIM 620186.
Kabuki syndrome 1 (KABUK1). Also called: KMT2D-Related Kabuki Syndrome. Identifiers: Orphanet 2322, MedGen CN030661, MONDO:0007843, OMIM 147920.
KMT2D-related disorder. Also called: KMT2D-Related Disorders.

gnomAD v4.1: 1 of 1,587,142 alleles (0.000063%); no homozygotes.

Submissions (3):

PreventionGenetics, part of Exact Sciences
Classification: Uncertain significance for KMT2D-related condition. Last evaluated: 2025-10-03. Review status: criteria provided, single submitter. Criteria: ACMG Guidelines, 2015. Collection method: clinical testing. Allele origin: germline.
Comment: The KMT2D c.6401G>C variant is predicted to result in the amino acid substitution p.Gly2134Ala. To our knowledge, this variant has not been reported in the literature or in a large population database (gnomAD), indicating this variant is rare. At this time, the clinical significance of this variant is uncertain due to the absence of conclusive functional and genetic evidence.

Fulgent Genetics
Classification: Uncertain significance for Kabuki syndrome 1; Choanal atresia-athelia-hypothyroidism-delayed puberty-short stature syndrome. Last evaluated: 2024-06-03. Review status: criteria provided, single submitter. Criteria: ACMG Guidelines, 2015. Collection method: clinical testing. Allele origin: germline.

GeneDx
Classification: Uncertain significance. Last evaluated: 2022-11-07. Review status: criteria provided, single submitter. Criteria: GeneDx Variant Classification Process June 2021. Collection method: clinical testing. Allele origin: germline. Affected: yes.
Comment: Not observed at significant frequency in large population cohorts (gnomAD); In silico analysis supports that this missense variant does not alter protein structure/function; Has not been previously published as pathogenic or benign to our knowledge

NM_003482.4(KMT2D):c.6401G>C (p.Gly2134Ala)

Gene: KMT2D (lysine methyltransferase 2D; minus strand). Cytogenetic location: 12q13.12.
Variant type: single nucleotide variant.
Coding change: c.6401G>C on transcript NM_003482.4 (MANE Select); coding-DNA position 6401, G replaced by C.
Protein change: p.Gly2134Ala; replaces glycine 2134 with alanine.
Molecular consequence: missense variant.
Genome position (GRCh38, 1-based): chr12:49,041,369, C>G on the plus strand (G>C on the coding strand, the complement: KMT2D is on the minus strand). VCF-style: chr12-49041369-C-G. GRCh37 (hg19) VCF-style: chr12-49435152-C-G.
Other names: short protein forms G2134A.
Identifiers: ClinVar variation 2501417 (VCV002501417.3), dbSNP rs978240367, ClinGen allele CA236649350.